The following is an entry in ClinVar:

NM_000441.2(SLC26A4):c.553A>T (p.Arg185Ter)

Gene: SLC26A4 (solute carrier family 26 member 4; plus strand). Cytogenetic location: 7q22.3.
Variant type: single nucleotide variant.
Coding change: c.553A>T on transcript NM_000441.2 (MANE Select); coding-DNA position 553, A replaced by T.
Protein change: p.Arg185Ter; replaces arginine 185 with a stop codon.
Molecular consequence: nonsense.
Genome position (GRCh38, 1-based): chr7:107,674,301, A>T. VCF-style: chr7-107674301-A-T. GRCh37 (hg19) VCF-style: chr7-107314746-A-T.
Other names: short protein forms R185*.
Identifiers: ClinVar variation 2841776 (VCV002841776.3), dbSNP rs2535296516, ClinGen allele CA368848299.

ClinVar aggregate classification (germline): Pathogenic (1 of 4 stars; one submission).

Submission:

Labcorp Genetics (formerly Invitae), Labcorp
Classification: Pathogenic. Last evaluated: 2023-03-01. Review status: criteria provided, single submitter. Criteria: Invitae Variant Classification Sherloc (09022015). Collection method: clinical testing. Allele origin: germline.
Comment: This sequence change creates a premature translational stop signal (p.Arg185*) in the SLC26A4 gene. It is expected to result in an absent or disrupted protein product. Loss-of-function variants in SLC26A4 are known to be pathogenic (PMID: 16283880, 25394566, 26252218, 26445815). This variant is not present in population databases (gnomAD no frequency). This variant has not been reported in the literature in individuals affected with SLC26A4-related conditions. For these reasons, this variant has been classified as Pathogenic.

Literature cited by the submitters: PubMed 16283880; PubMed 25394566; PubMed 26252218; PubMed 26445815.